The following is an entry in ClinVar:

NM_001036.6(RYR3):c.1884C>A (p.Asn628Lys)

Gene: RYR3 (ryanodine receptor 3; plus strand). Cytogenetic location: 15q14.
Variant type: single nucleotide variant.
Coding change: c.1884C>A on transcript NM_001036.6 (MANE Select); coding-DNA position 1884, C replaced by A.
Protein change: p.Asn628Lys; replaces asparagine 628 with lysine.
Molecular consequence: missense variant.
Genome position (GRCh38, 1-based): chr15:33,601,514, C>A. VCF-style: chr15-33601514-C-A. GRCh37 (hg19) VCF-style: chr15-33893715-C-A.
Other names: c.1884C>A, p.Asn628Lys (NM_001243996.4); short protein forms N628K.
Identifiers: ClinVar variation 960504 (VCV000960504.10), dbSNP rs534066569, ClinGen allele CA7458267.

ClinVar aggregate classification (germline): Uncertain significance (1 of 4 stars; one submission).

Conditions:
Epileptic encephalopathy. Identifiers: MedGen C0543888, HP:0200134.

Allele frequency attached by ClinVar (database versions not stated): gnomAD exomes below 0.00001; ExAC 0.00001; gnomAD 0.00001; 1000 Genomes Project 30x 0.00016; 1000 Genomes Project 0.00020.
gnomAD v4.1: 6 of 1,613,786 alleles (0.00037%); highest among the groups gnomAD compares: South Asian, 0.0011%; no homozygotes.

Submission:

Labcorp Genetics (formerly Invitae), Labcorp
Classification: Uncertain significance for Epileptic encephalopathy. Last evaluated: 2020-09-01. Review status: criteria provided, single submitter. Criteria: Invitae Variant Classification Sherloc (09022015). Collection method: clinical testing. Allele origin: germline.
Comment: Algorithms developed to predict the effect of missense changes on protein structure and function are either unavailable or do not agree on the potential impact of this missense change (SIFT: "Deleterious"; PolyPhen-2: "Benign"; Align-GVGD: "Class C35"). In summary, the available evidence is currently insufficient to determine the role of this variant in disease. Therefore, it has been classified as a Variant of Uncertain Significance. This variant has not been reported in the literature in individuals with RYR3-related conditions. This variant is present in population databases (rs534066569, ExAC 0.006%). This sequence change replaces asparagine with lysine at codon 628 of the RYR3 protein (p.Asn628Lys). The asparagine residue is moderately conserved and there is a moderate physicochemical difference between asparagine and lysine.